The following is an entry in ClinVar:

ClinVar aggregate classification (germline): Benign. Review status: criteria provided, multiple submitters, no conflicts (2 of 4 stars). 11 submissions from 11 submitters: Benign (8). 3 of the submissions do not count toward it. Last evaluated 2026-02-04.

Conditions:
Cardiovascular phenotype. Identifiers: MedGen CN230736.
ALPK3-related disorder. Also called: ALPK3-related condition.

Allele frequency attached by ClinVar (database versions not stated): ESP Exome Variant Server 0.05045; TOPMed 0.05554; gnomAD 0.05659 and 0.05870; ExAC 0.05787; 1000 Genomes Project 30x 0.08885; 1000 Genomes Project 0.09305.
gnomAD v4.1: 72,631 of 1,614,002 alleles (4.5%); highest among the groups gnomAD compares: East Asian, 22%; 2,772 homozygotes.

Submissions (11):

Labcorp Genetics (formerly Invitae), Labcorp
Classification: Benign. Last evaluated: 2026-02-04. Review status: criteria provided, single submitter. Criteria: Invitae Variant Classification Sherloc (09022015). Collection method: clinical testing. Allele origin: germline.

Molecular Diagnostic Laboratory for Inherited Cardiovascular Disease, Montreal Heart Institute
Classification: Benign. Last evaluated: 2025-04-09. Review status: criteria provided, single submitter. Criteria: ACMG Guidelines, 2015. Collection method: clinical testing. Allele origin: germline. Affected: no.

Blueprint Genetics
Classification: Benign. Last evaluated: 2024-11-27. Review status: criteria provided, single submitter. Criteria: ACMG Guidelines, 2015. Collection method: clinical testing. Allele origin: germline.

Women's Health and Genetics/Laboratory Corporation of America, LabCorp
Classification: Benign. Last evaluated: 2023-04-10. Review status: criteria provided, single submitter. Criteria: LabCorp Variant Classification Summary - May 2015. Collection method: clinical testing. Allele origin: germline.

Mayo Clinic Laboratories, Mayo Clinic
Classification: Benign. Last evaluated: 2022-04-26. Review status: criteria provided, single submitter. Criteria: ACMG Guidelines, 2015. Collection method: clinical testing. Allele origin: germline. Observed: 79 variant alleles.

Ambry Genetics
Classification: Benign for Cardiovascular phenotype. Last evaluated: 2018-12-20. Review status: criteria provided, single submitter. Criteria: Ambry Variant Classification Scheme 2023. Collection method: clinical testing. Allele origin: germline.

GeneDx
Classification: Benign. Last evaluated: 2016-09-29. Review status: criteria provided, single submitter. Criteria: GeneDx Variant Classification (06012015). Collection method: clinical testing. Allele origin: germline. Affected: yes.
Comment: This variant is considered likely benign or benign based on one or more of the following criteria: it is a conservative change, it occurs at a poorly conserved position in the protein, it is predicted to be benign by multiple in silico algorithms, and/or has population frequency not consistent with disease.

Breakthrough Genomics
Classification: Benign. Review status: criteria provided, single submitter. Criteria: ACMG Guidelines, 2015. Collection method: not provided. Allele origin: germline. Inheritance: Autosomal recessive inheritance. Affected: yes.

PreventionGenetics, part of Exact Sciences
Classification: Benign for ALPK3-related condition. Last evaluated: 2019-03-27. Review status: no assertion criteria provided. Collection method: clinical testing. Allele origin: germline. Not counted in ClinVar's aggregate classification.
Comment: This variant is classified as benign based on ACMG/AMP sequence variant interpretation guidelines (Richards et al. 2015 PMID: 25741868, with internal and published modifications).

Clinical Genetics DNA and cytogenetics Diagnostics Lab, Erasmus MC, Erasmus Medical Center
Classification: Benign. Review status: no assertion criteria provided. Collection method: clinical testing. Allele origin: germline. Affected: yes. Study: VKGL Data-share Consensus. Not counted in ClinVar's aggregate classification.

Clinical Genetics, Academic Medical Center
Classification: Benign. Review status: no assertion criteria provided. Collection method: clinical testing. Allele origin: germline. Affected: yes. Study: VKGL Data-share Consensus. Not counted in ClinVar's aggregate classification.

NM_020778.5(ALPK3):c.3954G>A (p.Glu1318=)

Gene: ALPK3 (alpha kinase 3; plus strand). Cytogenetic location: 15q25.3.
Variant type: single nucleotide variant.
Coding change: c.3954G>A on transcript NM_020778.5 (MANE Select); coding-DNA position 3954, G replaced by A.
Protein change: p.Glu1318=; no amino-acid change (glutamic acid 1318 retained).
Molecular consequence: synonymous variant.
Genome position (GRCh38, 1-based): chr15:84,859,379, G>A. VCF-style: chr15-84859379-G-A. GRCh37 (hg19) VCF-style: chr15-85402610-G-A.
Other names: p.Glu1520=.
Identifiers: ClinVar variation 384675 (VCV000384675.20), dbSNP rs34122391, ClinGen allele CA7709770.